The following is an entry in ClinVar:

NM_000018.4(ACADVL):c.1538C>A (p.Ala513Glu)

Gene: ACADVL (acyl-CoA dehydrogenase very long chain; plus strand). Cytogenetic location: 17p13.1.
Variant type: single nucleotide variant.
Coding change: c.1538C>A on transcript NM_000018.4 (MANE Select); coding-DNA position 1538, C replaced by A.
Protein change: p.Ala513Glu; replaces alanine 513 with glutamic acid.
Molecular consequence: missense variant.
Genome position (GRCh38, 1-based): chr17:7,224,326, C>A. VCF-style: chr17-7224326-C-A. GRCh37 (hg19) VCF-style: chr17-7127645-C-A.
Other names: c.1472C>A, p.Ala491Glu (NM_001033859.3); c.1607C>A, p.Ala536Glu (NM_001270447.2); c.1310C>A, p.Ala437Glu (NM_001270448.2); short protein forms A536E, A513E, A437E, A491E.
Identifiers: ClinVar variation 932811 (VCV000932811.2), dbSNP rs766003820, ClinGen allele CA397725335.

ClinVar aggregate classification (germline): Uncertain significance (1 of 4 stars; one submission).

Conditions:
Very long chain acyl-CoA dehydrogenase deficiency (ACADVLD). Also called: Very Long-Chain Acyl-Coenzyme A Dehydrogenase Deficiency; VLCAD Deficiency. Identifiers: Orphanet 26793, MedGen C3887523, MONDO:0008723, OMIM 201475.

Submission:

Wong Mito Lab, Molecular and Human Genetics, Baylor College of Medicine
Classification: Uncertain significance for Very long chain acyl-CoA dehydrogenase deficiency. Last evaluated: 2019-11-01. Review status: criteria provided, single submitter. Criteria: ACMG Guidelines, 2015. Collection method: clinical testing. Allele origin: germline.
Comment: The NM_000018.3:c.1538C>A (NP_000009.1:p.Ala513Glu) [GRCH38: NC_000017.11:g.7224326C>A] variant in ACADVL gene is interpretated to be Uncertain Significance based on ACMG guidelines (PMID: 25741868). This variant has been reported. This variant dose not meet any evidence codes reported in the ACMG guidelines.